The following is an entry in ClinVar:

NM_003245.4(TGM3):c.49C>A (p.Arg17=)

Gene: TGM3 (transglutaminase 3; plus strand). Cytogenetic location: 20p13.
Variant type: single nucleotide variant.
Coding change: c.49C>A on transcript NM_003245.4 (MANE Select); coding-DNA position 49, C replaced by A.
Protein change: p.Arg17=; no amino-acid change (arginine 17 retained).
Molecular consequence: synonymous variant.
Genome position (GRCh38, 1-based): chr20:2,309,698, C>A. VCF-style: chr20-2309698-C-A. GRCh37 (hg19) VCF-style: chr20-2290344-C-A.
Identifiers: ClinVar variation 4985643 (VCV004985643.1).

ClinVar aggregate classification (germline): Likely benign (1 of 4 stars; one submission).

Conditions:
TGM3-related disorder. Also called: TGM3-related condition.

gnomAD v4.1: 267 of 1,614,142 alleles (0.017%); highest among the groups gnomAD compares: Non-Finnish European, 0.021%; 1 homozygote.

Submission:

PreventionGenetics, part of Exact Sciences
Classification: Likely benign for TGM3-related condition. Last evaluated: 2026-05-21. Review status: criteria provided, single submitter. Criteria: ACMG Guidelines, 2015. Collection method: clinical testing. Allele origin: germline.
Comment: This variant is classified as likely benign based on ACMG/AMP sequence variant interpretation guidelines (Richards et al. 2015 PMID: 25741868, with internal and published modifications).